The following is an entry in ClinVar:

ClinVar aggregate classification (germline): Uncertain significance. Review status: criteria provided, multiple submitters, no conflicts (2 of 4 stars). 3 submissions from 3 submitters: Uncertain significance (3). Last evaluated 2025-04-19.

Conditions:
Cardiovascular phenotype. Identifiers: MedGen CN230736.
Arrhythmogenic cardiomyopathy with wooly hair and keratoderma. Also called: Arrhythmogenic cardiomyopathy with woolly hair and keratoderma; Carvajal syndrome; Dilated cardiomyopathy with woolly hair and keratoderma; PALMOPLANTAR KERATODERMA WITH LEFT VENTRICULAR CARDIOMYOPATHY AND WOOLLY HAIR. Identifiers: Orphanet 65282, MedGen C1854063, MONDO:0011581, OMIM 605676.
Arrhythmogenic right ventricular dysplasia 8 (ARVD8). Also called: ARRHYTHMOGENIC RIGHT VENTRICULAR DYSPLASIA, FAMILIAL, 8; ARRHYTHMOGENIC RIGHT VENTRICULAR CARDIOMYOPATHY 8; Arrhythmogenic Right Ventricular Dysplasia/Cardiomyopathy 8. Identifiers: MedGen C1843896, MONDO:0011831, OMIM 607450.

Allele frequency attached by ClinVar (database versions not stated): gnomAD exomes below 0.00001.
gnomAD v4.1: 3 of 1,614,122 alleles (0.00019%); highest among the groups gnomAD compares: Non-Finnish European, 0.00025%; no homozygotes.

Submissions (3):

Ambry Genetics
Classification: Uncertain significance for Cardiovascular phenotype. Last evaluated: 2025-04-19. Review status: criteria provided, single submitter. Criteria: Ambry Variant Classification Scheme 2023. Collection method: clinical testing. Allele origin: germline.
Comment: The p.D782Y variant (also known as c.2344G>T), located in coding exon 17 of the DSP gene, results from a G to T substitution at nucleotide position 2344. The aspartic acid at codon 782 is replaced by tyrosine, an amino acid with highly dissimilar properties. This amino acid position is highly conserved in available vertebrate species. In addition, this alteration is predicted to be deleterious by in silico analysis. Since supporting evidence is limited at this time, the clinical significance of this alteration remains unclear.

Labcorp Genetics (formerly Invitae), Labcorp
Classification: Uncertain significance for Arrhythmogenic cardiomyopathy with wooly hair and keratoderma; Arrhythmogenic right ventricular dysplasia 8. Last evaluated: 2024-07-10. Review status: criteria provided, single submitter. Criteria: Invitae Variant Classification Sherloc (09022015). Collection method: clinical testing. Allele origin: germline.
Comment: This sequence change replaces aspartic acid, which is acidic and polar, with tyrosine, which is neutral and polar, at codon 782 of the DSP protein (p.Asp782Tyr). This variant is not present in population databases (gnomAD no frequency). This variant has not been reported in the literature in individuals affected with DSP-related conditions. ClinVar contains an entry for this variant (Variation ID: 1420956). An algorithm developed to predict the effect of missense changes on protein structure and function (PolyPhen-2) suggests that this variant is likely to be disruptive. In summary, the available evidence is currently insufficient to determine the role of this variant in disease. Therefore, it has been classified as a Variant of Uncertain Significance.

All of Us Research Program, National Institutes of Health
Classification: Uncertain significance for Arrhythmogenic cardiomyopathy with wooly hair and keratoderma. Last evaluated: 2023-08-23. Review status: criteria provided, single submitter. Criteria: ACMG Guidelines, 2015. Collection method: clinical testing. Allele origin: germline. Inheritance: Autosomal dominant inheritance. Observed: 1 variant allele, 1 heterozygote.
Comment: This missense variant replaces aspartic acid with tyrosine at codon 782 of the DSP protein. Computational prediction is inconclusive regarding the impact of this variant on protein structure and function (internally defined REVEL score threshold 0.5 < inconclusive < 0.7, PMID: 27666373). To our knowledge, functional studies have not been reported for this variant. This variant has not been reported in individuals affected with DSP-related disorders in the literature. This variant has not been identified in the general population by the Genome Aggregation Database (gnomAD). The available evidence is insufficient to determine the role of this variant in disease conclusively. Therefore, this variant is classified as a Variant of Uncertain Significance.

This study involves interpretation of variants in research participants for the purpose of population health screening. Participant phenotype was not available at the time of variant classification. Additional details can be found in publication PMID: 35346344, PMCID: PMC8962531

NM_004415.4(DSP):c.2344G>T (p.Asp782Tyr)

Gene: DSP (desmoplakin; plus strand). Cytogenetic location: 6p24.3.
Variant type: single nucleotide variant.
Coding change: c.2344G>T on transcript NM_004415.4 (MANE Select); coding-DNA position 2344, G replaced by T.
Protein change: p.Asp782Tyr; replaces aspartic acid 782 with tyrosine.
Molecular consequence: missense variant.
Genome position (GRCh38, 1-based): chr6:7,574,703, G>T. VCF-style: chr6-7574703-G-T. GRCh37 (hg19) VCF-style: chr6-7574936-G-T.
Other names: c.2344G>T, p.Asp782Tyr (NM_001008844.3, NM_001319034.2); short protein forms D782Y.
Identifiers: ClinVar variation 1420956 (VCV001420956.12), dbSNP rs2113684062, ClinGen allele CA362681116.